The following is an entry in ClinVar:

ClinVar aggregate classification (germline): Uncertain significance (1 of 4 stars; one submission).

Allele frequency attached by ClinVar (database versions not stated): TOPMed below 0.00001.

Submission:

GeneDx
Classification: Uncertain significance. Last evaluated: 2022-11-25. Review status: criteria provided, single submitter. Criteria: GeneDx Variant Classification Process June 2021. Collection method: clinical testing. Allele origin: germline. Affected: yes.
Comment: Not observed at significant frequency in large population cohorts (gnomAD); In silico analysis supports that this missense variant does not alter protein structure/function; Has not been previously published as pathogenic or benign to our knowledge

NM_000525.4(KCNJ11):c.1056C>A (p.Asp352Glu)

Gene: KCNJ11 (potassium inwardly rectifying channel subfamily J member 11; minus strand). Cytogenetic location: 11p15.1.
Variant type: single nucleotide variant.
Coding change: c.1056C>A on transcript NM_000525.4 (MANE Select); coding-DNA position 1056, C replaced by A.
Protein change: p.Asp352Glu; replaces aspartic acid 352 with glutamic acid.
Molecular consequence: missense variant.
Genome position (GRCh38, 1-based): chr11:17,387,036, G>T on the plus strand (C>A on the coding strand, the complement: KCNJ11 is on the minus strand). VCF-style: chr11-17387036-G-T. GRCh37 (hg19) VCF-style: chr11-17408583-G-T.
Other names: c.795C>A, p.Asp265Glu (NM_001166290.2, NM_001377296.1, NM_001377297.1); short protein forms D265E, D352E.
Identifiers: ClinVar variation 2503226 (VCV002503226.1), dbSNP rs1953570095, ClinGen allele CA379769336.